The following is an entry in ClinVar:

ClinVar aggregate classification (germline): Uncertain significance (1 of 4 stars; one submission).

Conditions:
Inborn genetic diseases. Identifiers: MedGen C0950123, MeSH D030342.

Submission:

Ambry Genetics
Classification: Uncertain significance for Inborn genetic diseases. Last evaluated: 2022-06-15. Review status: criteria provided, single submitter. Criteria: Ambry Variant Classification Scheme 2023. Collection method: clinical testing. Allele origin: germline.
Comment: The p.C1198W variant (also known as c.3594C>G), located in coding exon 19 of the ATR gene, results from a C to G substitution at nucleotide position 3594. The cysteine at codon 1198 is replaced by tryptophan, an amino acid with highly dissimilar properties. This amino acid position is conserved. In addition, the in silico prediction for this alteration is inconclusive. Since supporting evidence is limited at this time, the clinical significance of this alteration remains unclear.

NM_001184.4(ATR):c.3594C>G (p.Cys1198Trp)

Gene: ATR (ATR checkpoint kinase; minus strand). Cytogenetic location: 3q23.
Variant type: single nucleotide variant.
Coding change: c.3594C>G on transcript NM_001184.4 (MANE Select); coding-DNA position 3594, C replaced by G.
Protein change: p.Cys1198Trp; replaces cysteine 1198 with tryptophan.
Molecular consequence: missense variant.
Genome position (GRCh38, 1-based): chr3:142,538,613, G>C on the plus strand (C>G on the coding strand, the complement: ATR is on the minus strand). VCF-style: chr3-142538613-G-C. GRCh37 (hg19) VCF-style: chr3-142257455-G-C.
Other names: c.3402C>G, p.Cys1134Trp (NM_001354579.2); short protein forms C1198W, C1134W.
Identifiers: ClinVar variation 1733010 (VCV001733010.2), dbSNP rs2108432948, ClinGen allele CA354807641.